The following continues an entry in ClinVar:

NM_000059.4(BRCA2):c.700del (p.Ser234fs)

Gene: BRCA2. ClinVar aggregate classification (germline): Pathogenic. Pathogenic (1).

Submissions 11 to 15 of 15:

Foulkes Cancer Genetics LDI, Lady Davis Institute for Medical Research
Classification: Pathogenic for Breast and/or ovarian cancer. Last evaluated: 2016-01-15. Review status: no assertion criteria provided. Collection method: clinical testing. Allele origin: germline. Study: The Canadian Open Genetics Repository (COGR). Not counted in ClinVar's aggregate classification.

Research Molecular Genetics Laboratory, Women's College Hospital, University of Toronto
Classification: Pathogenic for Hereditary breast ovarian cancer syndrome. Last evaluated: 2014-01-31. Review status: no assertion criteria provided. Collection method: research. Allele origin: germline. Affected: yes. Study: The Canadian Open Genetics Repository (COGR). Not counted in ClinVar's aggregate classification.

Sharing Clinical Reports Project (SCRP)
Classification: Pathogenic for Breast-ovarian cancer, familial 2. Last evaluated: 2011-08-16. Review status: no assertion criteria provided. Collection method: clinical testing. Allele origin: germline. Not counted in ClinVar's aggregate classification.

Breast Cancer Information Core (BIC) (BRCA2)
Classification: Pathogenic for Breast-ovarian cancer, familial 2. Last evaluated: 2004-02-20. Review status: no assertion criteria provided. Collection method: clinical testing. Allele origin: germline. Affected: yes. Observed: 3 variant alleles. Not counted in ClinVar's aggregate classification.

Department of Pathology and Laboratory Medicine, Sinai Health System
Classification: Pathogenic. Review status: no assertion criteria provided. Collection method: clinical testing. Allele origin: unknown. Affected: yes. Study: The Canadian Open Genetics Repository (COGR). Not counted in ClinVar's aggregate classification.
Comment: The p.Ser234ProfsX7 deletion variant was identified in 4 of 6352 proband chromosomes (frequency: 0.001) from individuals or families with breast or ovarian cancer (Capalbo 2006, Kim 2012, Meindl 2002, Nedelcu 2002). The variant was also identified in dbSNP (ID: rs80359630) â€šÃ„ÃºWith Pathogenic alleleâ€šÃ„Ã¹, HGMD, ClinVar database, the BIC database (3X with clinical importance), and UMD (6X as a causal variant). The variant was classified as a pathogenic variant by the Sharing Clinical Reports Project (SCRP) (submitted within the ClinVar database and derived from Myriad reports). The p.Ser234ProfsX7 deletion variant is predicted to cause a frameshift, which alters the protein's amino acid sequence beginning at codon 234 and leads to a premature stop codon 7 codons downstream. This alteration is then predicted to result in a truncated or absent protein and loss of function. Loss of function variants of the BRCA2 gene are an established mechanism of disease in hereditary breast and ovarian cancer and is the type of variant expected to cause the disorder. In summary, based on the above information, this variant meets our laboratoryâ€šÃ„Ã´s criteria to be classified as pathogenic.

Literature cited by the submitters: PubMed 20104584 (cited by Labcorp Genetics (formerly Invitae), Labcorp); PubMed 11938448 (cited by 4 submitters); PubMed 19656164 (cited by 4 submitters); PubMed 22762150 (cited by Labcorp Genetics (formerly Invitae), Labcorp and Color Diagnostics, LLC DBA Color Health); PubMed 22798144 (cited by 3 submitters); PubMed 26843898 (cited by 3 submitters); PubMed 11802209 (cited by Ambry Genetics and Color Diagnostics, LLC DBA Color Health); PubMed 16760289 (cited by Ambry Genetics and Color Diagnostics, LLC DBA Color Health); PubMed 16847550 (cited by Women's Health and Genetics/Laboratory Corporation of America, LabCorp); PubMed 25948282 (cited by Women's Health and Genetics/Laboratory Corporation of America, LabCorp); PubMed 25395318 (cited by Women's Health and Genetics/Laboratory Corporation of America, LabCorp); PubMed 26295337 (cited by Quest Diagnostics Nichols Institute San Juan Capistrano).